The following is an entry in ClinVar:

NM_001220.5(CAMK2B):c.1260G>A (p.Arg420=)

Gene: CAMK2B (calcium/calmodulin dependent protein kinase II beta; minus strand). Cytogenetic location: 7p13.
Variant type: single nucleotide variant.
Coding change: c.1260G>A on transcript NM_001220.5 (MANE Select); coding-DNA position 1260, G replaced by A.
Protein change: p.Arg420=; no amino-acid change (arginine 420 retained).
Molecular consequence: synonymous variant. On other transcripts: intron variant (8).
Genome position (GRCh38, 1-based): chr7:44,229,467, C>T on the plus strand (G>A on the coding strand, the complement: CAMK2B is on the minus strand). VCF-style: chr7-44229467-C-T. GRCh37 (hg19) VCF-style: chr7-44269066-C-T.
Other names: c.1260G>A (NM_001220.4); c.947-8566G>A (NM_172084.3); c.1150+1539G>A (NM_172080.3); c.1036+1539G>A (NM_172083.3); c.1108+1539G>A (NM_172081.3); c.1153+1539G>A (NM_172079.3, NM_172082.3); c.1225+1539G>A (NM_001293170.2, NM_172078.3).
Identifiers: ClinVar variation 1575582 (VCV001575582.12), dbSNP rs550135870, ClinGen allele CA4240406.

ClinVar aggregate classification (germline): Benign/Likely benign. Review status: criteria provided, multiple submitters, no conflicts (2 of 4 stars). 4 submissions from 4 submitters: Benign (1); Likely benign (2). 1 of the submissions does not count toward it. Last evaluated 2026-01-28.

Conditions:
CAMK2B-related disorder. Also called: CAMK2B-related condition.
Intellectual developmental disorder, autosomal dominant 54. Also called: MENTAL RETARDATION, AUTOSOMAL DOMINANT 54; Intellectual disability, autosomal dominant 54. Identifiers: MedGen C4540484, MONDO:0030920, OMIM 617799.

Allele frequency attached by ClinVar (database versions not stated): gnomAD exomes 0.00018 and 0.00030; gnomAD 0.00050 and 0.00052; ExAC 0.00053; 1000 Genomes Project 0.00080; TOPMed 0.00088; 1000 Genomes Project 30x 0.00094.
gnomAD v4.1: 328 of 1,466,828 alleles (0.022%); highest among the groups gnomAD compares: Admixed American, 0.26%; 1 homozygote.

Submissions (4):

Labcorp Genetics (formerly Invitae), Labcorp
Classification: Benign. Last evaluated: 2026-01-28. Review status: criteria provided, single submitter. Criteria: Invitae Variant Classification Sherloc (09022015). Collection method: clinical testing. Allele origin: germline.

Blueprint Genetics
Classification: Likely benign. Last evaluated: 2024-11-05. Review status: criteria provided, single submitter. Criteria: ACMG Guidelines, 2015. Collection method: clinical testing. Allele origin: germline.

Fulgent Genetics
Classification: Likely benign for Intellectual developmental disorder, autosomal dominant 54. Last evaluated: 2021-09-13. Review status: criteria provided, single submitter. Criteria: ACMG Guidelines, 2015. Collection method: clinical testing. Allele origin: unknown.

PreventionGenetics, part of Exact Sciences
Classification: Likely benign for CAMK2B-related condition. Last evaluated: 2019-07-08. Review status: no assertion criteria provided. Collection method: clinical testing. Allele origin: germline. Not counted in ClinVar's aggregate classification.
Comment: This variant is classified as likely benign based on ACMG/AMP sequence variant interpretation guidelines (Richards et al. 2015 PMID: 25741868, with internal and published modifications).